The following is an entry in ClinVar:

NM_000426.4(LAMA2):c.951C>T (p.Ser317=)

Gene: LAMA2 (laminin subunit alpha 2; plus strand). Cytogenetic location: 6q22.33.
Variant type: single nucleotide variant.
Coding change: c.951C>T on transcript NM_000426.4 (MANE Select); coding-DNA position 951, C replaced by T.
Protein change: p.Ser317=; no amino-acid change (serine 317 retained).
Molecular consequence: synonymous variant.
Genome position (GRCh38, 1-based): chr6:129,149,020, C>T. VCF-style: chr6-129149020-C-T. GRCh37 (hg19) VCF-style: chr6-129470165-C-T.
Other names: p.Ser317=; c.951C>T, p.Ser317= (NM_001079823.2).
Identifiers: ClinVar variation 705682 (VCV000705682.13), dbSNP rs765336655, ClinGen allele CA3992486.

ClinVar aggregate classification (germline): Likely benign. Review status: criteria provided, multiple submitters, no conflicts (2 of 4 stars). 3 submissions from 3 submitters: Likely benign (3). Last evaluated 2026-01-25.

Conditions:
LAMA2-related muscular dystrophy (LAMA2-RD). Also called: Laminin alpha 2-related dystrophy. Identifiers: MedGen C5679788, MONDO:0100228.

Allele frequency attached by ClinVar (database versions not stated): gnomAD 0.00002; TOPMed 0.00003; gnomAD exomes 0.00006 and 0.00022; ExAC 0.00007.
gnomAD v4.1: 312 of 1,613,388 alleles (0.019%); highest among the groups gnomAD compares: Non-Finnish European, 0.026%; no homozygotes.

Submissions (3):

Labcorp Genetics (formerly Invitae), Labcorp
Classification: Likely benign for LAMA2-related muscular dystrophy. Last evaluated: 2026-01-25. Review status: criteria provided, single submitter. Criteria: Invitae Variant Classification Sherloc (09022015). Collection method: clinical testing. Allele origin: germline.

Mayo Clinic Laboratories, Mayo Clinic
Classification: Likely benign. Last evaluated: 2024-11-20. Review status: criteria provided, single submitter. Criteria: ACMG Guidelines, 2015. Collection method: clinical testing. Allele origin: germline. Observed: 1 variant allele.
Comment: BP4, BP7

Blueprint Genetics
Classification: Likely benign. Last evaluated: 2024-04-19. Review status: criteria provided, single submitter. Criteria: ACMG Guidelines, 2015. Collection method: clinical testing. Allele origin: germline.